The following is an entry in ClinVar:

NM_001267550.2(TTN):c.104717A>G (p.Asp34906Gly)

Genes: TTN (titin; minus strand), TTN-AS1 (TTN antisense RNA 1; plus strand). Cytogenetic location: 2q31.2.
Variant type: single nucleotide variant.
Coding change: c.104717A>G on transcript NM_001267550.2 (MANE Select); coding-DNA position 104717, A replaced by G.
Protein change: p.Asp34906Gly; replaces aspartic acid 34906 with glycine.
Molecular consequence: missense variant.
Genome position (GRCh38, 1-based): chr2:178,531,898, T>C on the plus strand (A>G on the coding strand, the complement: TTN is on the minus strand). VCF-style: chr2-178531898-T-C. GRCh37 (hg19) VCF-style: chr2-179396625-T-C.
Other names: c.99794A>G, p.Asp33265Gly (NM_001256850.1); c.77522A>G, p.Asp25841Gly (NM_003319.4); c.97013A>G, p.Asp32338Gly (NM_133378.4); c.77897A>G, p.Asp25966Gly (NM_133432.3); c.78098A>G, p.Asp26033Gly (NM_133437.4); short protein forms D25966G, D33265G, D34906G, D26033G, D25841G, D32338G.
Identifiers: ClinVar variation 2953680 (VCV002953680.3), dbSNP rs753500331, ClinGen allele CA1985375.

ClinVar aggregate classification (germline): Uncertain significance (1 of 4 stars; one submission).

Conditions:
Autosomal recessive limb-girdle muscular dystrophy type 2J (LGMDR10). Also called: Limb-girdle muscular dystrophy, type 2J; MUSCULAR DYSTROPHY, LIMB-GIRDLE, AUTOSOMAL RECESSIVE 10. Identifiers: Orphanet 140922, MedGen C1837342, MONDO:0012127, OMIM 608807.
Dilated cardiomyopathy 1G (CMD1G). Identifiers: Orphanet 154, MedGen C1858763, MONDO:0011400, OMIM 604145.

gnomAD v4.1: 3 of 1,612,704 alleles (0.00019%); highest among the groups gnomAD compares: Middle Eastern, 0.017%; no homozygotes.

Submission:

Labcorp Genetics (formerly Invitae), Labcorp
Classification: Uncertain significance for Dilated cardiomyopathy 1G; Autosomal recessive limb-girdle muscular dystrophy type 2J. Last evaluated: 2023-02-02. Review status: criteria provided, single submitter. Criteria: Invitae Variant Classification Sherloc (09022015). Collection method: clinical testing. Allele origin: germline.
Comment: This variant is present in population databases (rs753500331, gnomAD 0.007%). This variant has not been reported in the literature in individuals affected with TTN-related conditions. Experimental studies and prediction algorithms are not available or were not evaluated, and the functional significance of this variant is currently unknown. In summary, the available evidence is currently insufficient to determine the role of this variant in disease. Therefore, it has been classified as a Variant of Uncertain Significance. This variant is located in the M band of TTN (PMID: 25589632). Variants in this region may be relevant for neuromuscular disorders, but have not been definitively shown to cause cardiomyopathy (PMID: 23975875). This sequence change replaces aspartic acid, which is acidic and polar, with glycine, which is neutral and non-polar, at codon 34906 of the TTN protein (p.Asp34906Gly).

Literature cited by the submitters: PubMed 25589632; PubMed 23975875.